The following is an entry in ClinVar:

ClinVar aggregate classification (germline): Uncertain significance (1 of 4 stars; one submission).

Conditions:
Hereditary nonpolyposis colorectal neoplasms. Identifiers: MedGen C0009405, MeSH D003123.

Submission:

Labcorp Genetics (formerly Invitae), Labcorp
Classification: Uncertain significance for Hereditary nonpolyposis colorectal neoplasms. Last evaluated: 2025-07-31. Review status: criteria provided, single submitter. Criteria: Invitae Variant Classification Sherloc (09022015). Collection method: clinical testing. Allele origin: germline.
Comment: This sequence change replaces arginine, which is basic and polar, with serine, which is neutral and polar, at codon 510 of the MSH6 protein (p.Arg510Ser). This variant is not present in population databases (gnomAD no frequency). This variant has not been reported in the literature in individuals affected with MSH6-related conditions. ClinVar contains an entry for this variant (Variation ID: 3633932). Invitae Evidence Modeling of protein sequence and biophysical properties (such as structural, functional, and spatial information, amino acid conservation, physicochemical variation, residue mobility, and thermodynamic stability) indicates that this missense variant is not expected to disrupt MSH6 protein function with a negative predictive value of 95%. In summary, the available evidence is currently insufficient to determine the role of this variant in disease. Therefore, it has been classified as a Variant of Uncertain Significance.

NM_000179.3(MSH6):c.1530G>T (p.Arg510Ser)

Gene: MSH6 (mutS homolog 6; plus strand). Cytogenetic location: 2p16.3.
Variant type: single nucleotide variant.
Coding change: c.1530G>T on transcript NM_000179.3 (MANE Select); coding-DNA position 1530, G replaced by T.
Protein change: p.Arg510Ser; replaces arginine 510 with serine.
Molecular consequence: missense variant. On other transcripts: non-coding transcript variant (4), intron variant (1).
Genome position (GRCh38, 1-based): chr2:47,799,513, G>T. VCF-style: chr2-47799513-G-T. GRCh37 (hg19) VCF-style: chr2-48026652-G-T.
Other names: c.624G>T, p.Arg208Ser (NM_001406812.1, NM_001406814.1, NM_001406815.1 and 6 more transcripts); c.1536G>T, p.Arg512Ser (NM_001406813.1); c.1530G>T, p.Arg510Ser (NM_001406817.1, NM_001406796.1, NM_001406798.1 and 4 more transcripts); c.1233G>T, p.Arg411Ser (NM_001406818.1, NM_001406819.1, NM_001406820.1 and 10 more transcripts); c.628-1153G>T (NM_001407362.1); c.1140G>T, p.Arg380Ser (NM_001281492.2); c.1626G>T, p.Arg542Ser (NM_001406795.1, NM_001406802.1); c.1005G>T, p.Arg335Ser (NM_001406799.1, NM_001406806.1, NM_001406807.1); and 2 more; short protein forms R380S, R484S, R542S, R411S, R512S, R208S, R335S, R510S.
Identifiers: ClinVar variation 3633932 (VCV003633932.2).